The following is an entry in ClinVar:

ClinVar aggregate classification (germline): Benign (1 of 4 stars; one submission).

Allele frequency attached by ClinVar (database versions not stated): TOPMed 0.02645; 1000 Genomes Project 0.03020; 1000 Genomes Project 30x 0.03184.
gnomAD v4.1: 2,351 of 104,046 alleles (2.3%); highest among the groups gnomAD compares: African/African-American, 8%; 65 homozygotes.

Submission:

GeneDx
Classification: Benign. Last evaluated: 2018-06-14. Review status: criteria provided, single submitter. Criteria: GeneDx Variant Classification (06012015). Collection method: clinical testing. Allele origin: germline. Affected: yes.
Comment: This variant is considered likely benign or benign based on one or more of the following criteria: it is a conservative change, it occurs at a poorly conserved position in the protein, it is predicted to be benign by multiple in silico algorithms, and/or has population frequency not consistent with disease.

NM_004541.4(NDUFA1):c.103-224T>C

Gene: NDUFA1 (NADH:ubiquinone oxidoreductase subunit A1; plus strand). Cytogenetic location: Xq24.
Variant type: single nucleotide variant.
Coding change: c.103-224T>C on transcript NM_004541.4 (MANE Select); 224 bases into the intron before coding-DNA position 103, T replaced by C.
Molecular consequence: intron variant.
Genome position (GRCh38, 1-based): chrX:119,873,080, T>C. VCF-style: chrX-119873080-T-C. GRCh37 (hg19) VCF-style: chrX-119007043-T-C.
Identifiers: ClinVar variation 673198 (VCV000673198.1), dbSNP rs180726959, ClinGen allele CA334111276.